The following is an entry in ClinVar:

ClinVar aggregate classification (germline): Uncertain significance (1 of 4 stars; one submission).

Allele frequency attached by ClinVar (database versions not stated): TOPMed below 0.00001; gnomAD 0.00003; ExAC 0.00024.
gnomAD v4.1: 86 of 1,612,270 alleles (0.0053%); highest among the groups gnomAD compares: Non-Finnish European, 0.0049%; no homozygotes.

Submission:

Labcorp Genetics (formerly Invitae), Labcorp
Classification: Uncertain significance. Last evaluated: 2022-06-29. Review status: criteria provided, single submitter. Criteria: Invitae Variant Classification Sherloc (09022015). Collection method: clinical testing. Allele origin: germline.
Comment: This sequence change replaces histidine, which is basic and polar, with arginine, which is basic and polar, at codon 144 of the NARS2 protein (p.His144Arg). This variant is present in population databases (rs201766871, gnomAD 0.05%). This variant has not been reported in the literature in individuals affected with NARS2-related conditions. Algorithms developed to predict the effect of missense changes on protein structure and function are either unavailable or do not agree on the potential impact of this missense change (SIFT: "Tolerated"; PolyPhen-2: "Probably Damaging"; Align-GVGD: "Class C0"). In summary, the available evidence is currently insufficient to determine the role of this variant in disease. Therefore, it has been classified as a Variant of Uncertain Significance.

NM_024678.6(NARS2):c.431A>G (p.His144Arg)

Gene: NARS2 (asparaginyl-tRNA synthetase 2, mitochondrial; minus strand). Cytogenetic location: 11q14.1.
Variant type: single nucleotide variant.
Coding change: c.431A>G on transcript NM_024678.6 (MANE Select); coding-DNA position 431, A replaced by G.
Protein change: p.His144Arg; replaces histidine 144 with arginine.
Molecular consequence: missense variant. On other transcripts: 5 prime UTR variant (1).
Genome position (GRCh38, 1-based): chr11:78,566,214, T>C on the plus strand (A>G on the coding strand, the complement: NARS2 is on the minus strand). VCF-style: chr11-78566214-T-C. GRCh37 (hg19) VCF-style: chr11-78277260-T-C.
Other names: c.-251A>G (NM_001243251.2); short protein forms H144R.
Identifiers: ClinVar variation 1918634 (VCV001918634.5), dbSNP rs201766871, ClinGen allele CA6205848.
Genomic context (GRCh38, chr11:78,566,214, plus strand): 5'-GCTGTCGCTTCACTGCGAATCCTCAATATAGAACCCAGAACGTTAGTCCTACACCTAAAG[T>C]GAGGATATTGTCGCAGATACTCCAGAGGATGCCTCTCTTTATATTTGATGGGGAAATCCT-3'
Protein context (NP_078954.4, residues 134-154): HPLEYLRQYP[His144Arg]FRCRTNVLGS